The following is an entry in ClinVar:

ClinVar aggregate classification (germline): Likely benign (0 of 4 stars; one submission).

Conditions:
NRIP1-related disorder. Also called: NRIP1-related condition.

Allele frequency attached by ClinVar (database versions not stated): ExAC 0.00001; gnomAD exomes 0.00001.
gnomAD v4.1: 4 of 1,614,104 alleles (0.00025%); highest among the groups gnomAD compares: Non-Finnish European, 0.00034%; no homozygotes.

Submission:

PreventionGenetics, part of Exact Sciences
Classification: Likely benign for NRIP1-related condition. Last evaluated: 2022-07-06. Review status: no assertion criteria provided. Collection method: clinical testing. Allele origin: germline.
Comment: This variant is classified as likely benign based on ACMG/AMP sequence variant interpretation guidelines (Richards et al. 2015 PMID: 25741868, with internal and published modifications).

NM_003489.4(NRIP1):c.1845A>G (p.Gln615=)

Gene: NRIP1 (nuclear receptor interacting protein 1; minus strand). Cytogenetic location: 21q11.2.
Variant type: single nucleotide variant.
Coding change: c.1845A>G on transcript NM_003489.4 (MANE Select); coding-DNA position 1845, A replaced by G.
Protein change: p.Gln615=; no amino-acid change (glutamine 615 retained).
Molecular consequence: synonymous variant.
Genome position (GRCh38, 1-based): chr21:14,966,348, T>C on the plus strand (A>G on the coding strand, the complement: NRIP1 is on the minus strand). VCF-style: chr21-14966348-T-C. GRCh37 (hg19) VCF-style: chr21-16338669-T-C.
Identifiers: ClinVar variation 3053623 (VCV003053623.2), dbSNP rs780568640, ClinGen allele CA9981258.
Genomic context (GRCh38, chr21:14,966,348, plus strand): 5'-TGCTAAATTTTGTAACAGCTTACTGGCACTAAACGTTGCAGAGTTCTGTGCACCTTCATT[T>C]TGGGCTGGTTTCTCTCCTGGTGGGTCTTTGCTTTTTGTAAGGTCCATTGAGTGGTTAGAT-3'
Protein context (NP_003480.2, residues 605-625): SKDPPGEKPA[Gln615=]NEGAQNSATF